The following is an entry in ClinVar:

NM_181882.3(PRX):c.4316G>T (p.Ser1439Ile)

Gene: PRX (periaxin; minus strand). Cytogenetic location: 19q13.2.
Variant type: single nucleotide variant.
Coding change: c.4316G>T on transcript NM_181882.3 (MANE Select); coding-DNA position 4316, G replaced by T.
Protein change: p.Ser1439Ile; replaces serine 1439 with isoleucine.
Molecular consequence: missense variant. On other transcripts: 3 prime UTR variant (1).
Genome position (GRCh38, 1-based): chr19:40,394,036, C>A on the plus strand (G>T on the coding strand, the complement: PRX is on the minus strand). VCF-style: chr19-40394036-C-A. GRCh37 (hg19) VCF-style: chr19-40899943-C-A.
Other names: c.*4521G>T (NM_020956.2); short protein forms S1439I.
Identifiers: ClinVar variation 962806 (VCV000962806.7), dbSNP rs2079403599, ClinGen allele CA405889746.

ClinVar aggregate classification (germline): Uncertain significance (1 of 4 stars; one submission).

Conditions:
Charcot-Marie-Tooth disease type 4. Also called: Charcot-Marie-Tooth disease, type IV; Charcot-Marie-Tooth, Type 4. Identifiers: Orphanet 64749, MedGen C4082197, MONDO:0018995.

Submission:

Labcorp Genetics (formerly Invitae), Labcorp
Classification: Uncertain significance for Charcot-Marie-Tooth disease type 4. Last evaluated: 2021-08-28. Review status: criteria provided, single submitter. Criteria: Invitae Variant Classification Sherloc (09022015). Collection method: clinical testing. Allele origin: germline.
Comment: This sequence change replaces serine with isoleucine at codon 1439 of the PRX protein (p.Ser1439Ile). The serine residue is moderately conserved and there is a large physicochemical difference between serine and isoleucine. This variant is not present in population databases (ExAC no frequency). This variant has not been reported in the literature in individuals affected with PRX-related conditions. Algorithms developed to predict the effect of missense changes on protein structure and function are either unavailable or do not agree on the potential impact of this missense change (SIFT: "Tolerated"; PolyPhen-2: "Possibly Damaging"; Align-GVGD: "Class C0"). In summary, the available evidence is currently insufficient to determine the role of this variant in disease. Therefore, it has been classified as a Variant of Uncertain Significance.